The following is an entry in ClinVar:

ClinVar aggregate classification (germline): Uncertain significance (1 of 4 stars; one submission).

Submission:

GeneDx
Classification: Uncertain significance. Last evaluated: 2022-06-13. Review status: criteria provided, single submitter. Criteria: GeneDx Variant Classification Process June 2021. Collection method: clinical testing. Allele origin: germline. Affected: yes.
Comment: Not observed at significant frequency in large population cohorts (gnomAD); In silico analysis supports that this missense variant has a deleterious effect on protein structure/function; Has not been previously published as pathogenic or benign to our knowledge; Variants in candidate genes are classified as variants of uncertain significance in accordance with ACMG guidelines (Richards et al., 2015)

NC_000023.11:g.53430940T>A

Genes: HSD17B10 (hydroxysteroid 17-beta dehydrogenase 10; minus strand), RIBC1 (RIB43A domain with coiled-coils 1; plus strand). Cytogenetic location: Xp11.22.
Variant type: single nucleotide variant.
Molecular consequence: missense variant (on NM_001031745.5). On other transcripts: 3 prime UTR variant (1).
Genome position: GRCh38 VCF-style: chrX-53430940-T-A. GRCh37 (hg19) VCF-style: chrX-53457888-T-A.
Other names: c.1092T>A, p.Asn364Lys (NM_001031745.5); c.*146T>A (NM_001267053.4); short protein forms N364K.
Identifiers: ClinVar variation 1804315 (VCV001804315.1), dbSNP rs2521087320, ClinGen allele CA413149059.